The following is an entry in ClinVar:

ClinVar aggregate classification (germline): Uncertain significance (1 of 4 stars; one submission).

Submission:

Labcorp Genetics (formerly Invitae), Labcorp
Classification: Uncertain significance. Last evaluated: 2024-05-07. Review status: criteria provided, single submitter. Criteria: Invitae Variant Classification Sherloc (09022015). Collection method: clinical testing. Allele origin: germline.
Comment: This sequence change replaces serine, which is neutral and polar, with arginine, which is basic and polar, at codon 206 of the MAFB protein (p.Ser206Arg). This variant is present in population databases (rs758291175, gnomAD 0.06%), and has an allele count higher than expected for a pathogenic variant. This variant has not been reported in the literature in individuals affected with MAFB-related conditions. Advanced modeling of protein sequence and biophysical properties (such as structural, functional, and spatial information, amino acid conservation, physicochemical variation, residue mobility, and thermodynamic stability) performed at Invitae indicates that this missense variant is not expected to disrupt MAFB protein function with a negative predictive value of 80%. In summary, the available evidence is currently insufficient to determine the role of this variant in disease. Therefore, it has been classified as a Variant of Uncertain Significance.

NM_005461.5(MAFB):c.618C>A (p.Ser206Arg)

Gene: MAFB (MAF bZIP transcription factor B; minus strand). Cytogenetic location: 20q12.
Variant type: single nucleotide variant.
Coding change: c.618C>A on transcript NM_005461.5 (MANE Select); coding-DNA position 618, C replaced by A.
Protein change: p.Ser206Arg; replaces serine 206 with arginine.
Molecular consequence: missense variant.
Genome position (GRCh38, 1-based): chr20:40,688,233, G>T on the plus strand (C>A on the coding strand, the complement: MAFB is on the minus strand). VCF-style: chr20-40688233-G-T. GRCh37 (hg19) VCF-style: chr20-39316873-G-T.
Other names: short protein forms S206R.
Identifiers: ClinVar variation 3716679 (VCV003716679.2).
Genomic context (GRCh38, chr20:40,688,233, plus strand): 5'-GCGGTTCAGCTCGCGCACGGACATGGACACGAGCTGGTCGTCGGAGAAGCGGTCCTCCAC[G>T]CTGCCGTTGCCGCCCGCCGCCGTCGCCGAGGCCGTCGCGTGCGGCCCGGGCCCGGGGTGG-3'
Protein context (NP_005452.2, residues 196-216): ASATAAGGNG[Ser206Arg]VEDRFSDDQL